The following is an entry in ClinVar:

ClinVar aggregate classification (germline): Uncertain significance. Review status: criteria provided, multiple submitters, no conflicts (2 of 4 stars). 4 submissions from 4 submitters: Uncertain significance (4). Last evaluated 2025-04-11.

Conditions:
Autosomal recessive nonsyndromic hearing loss 77. Identifiers: Orphanet 90636, MedGen C2746083, MONDO:0013119, OMIM 613079.
Inborn genetic diseases. Identifiers: MedGen C0950123, MeSH D030342.

Allele frequency attached by ClinVar (database versions not stated): gnomAD exomes 0.00001 and 0.00003; TOPMed 0.00003; gnomAD 0.00005 and 0.00006; ExAC 0.00009.
gnomAD v4.1: 28 of 1,548,858 alleles (0.0018%); highest among the groups gnomAD compares: South Asian, 0.0036%; no homozygotes.

Submissions (4):

Ambry Genetics
Classification: Uncertain significance for Inborn genetic diseases. Last evaluated: 2025-04-11. Review status: criteria provided, single submitter. Criteria: Ambry Variant Classification Scheme 2023. Collection method: clinical testing. Allele origin: germline.

Illumina Laboratory Services, Illumina
Classification: Uncertain significance. Last evaluated: 2022-10-14. Review status: criteria provided, single submitter. Criteria: ICSL CNVClassificationCriteria Aug2020. Collection method: clinical testing. Allele origin: unknown. Affected: yes.
Comment: The LOXHD1 c.5893G>A (p.Gly1965Arg) missense variant results in the substitution of glycine at amino acid position 1965 with arginine. To our knowledge, this variant has not been reported in the peer-reviewed literature. The c.5893G>A variant is reported at a frequency of 0.0001956 in the Finnish population of the Genome Aggregation Database (version 2.1.1). Based on the available evidence, the c.5893G>A (p.Gly1965Arg) variant is classified as a variant of uncertain significance for nonsyndromic genetic hearing loss.

Labcorp Genetics (formerly Invitae), Labcorp
Classification: Uncertain significance. Last evaluated: 2022-01-26. Review status: criteria provided, single submitter. Criteria: Invitae Variant Classification Sherloc (09022015). Collection method: clinical testing. Allele origin: germline.
Comment: This sequence change replaces glycine, which is neutral and non-polar, with arginine, which is basic and polar, at codon 1965 of the LOXHD1 protein (p.Gly1965Arg). This variant is present in population databases (rs778228882, gnomAD 0.02%). This variant has not been reported in the literature in individuals affected with LOXHD1-related conditions. Algorithms developed to predict the effect of missense changes on protein structure and function are either unavailable or do not agree on the potential impact of this missense change (SIFT: "Deleterious"; PolyPhen-2: "Benign"; Align-GVGD: "Class C0"). In summary, the available evidence is currently insufficient to determine the role of this variant in disease. Therefore, it has been classified as a Variant of Uncertain Significance.

Fulgent Genetics
Classification: Uncertain significance for Autosomal recessive nonsyndromic hearing loss 77. Last evaluated: 2022-01-13. Review status: criteria provided, single submitter. Criteria: ACMG Guidelines, 2015. Collection method: clinical testing. Allele origin: unknown.

NM_001384474.1(LOXHD1):c.6079G>A (p.Gly2027Arg)

Gene: LOXHD1 (lipoxygenase homology PLAT domains 1; minus strand). Cytogenetic location: 18q21.1.
Variant type: single nucleotide variant.
Coding change: c.6079G>A on transcript NM_001384474.1 (MANE Select); coding-DNA position 6079, G replaced by A.
Protein change: p.Gly2027Arg; replaces glycine 2027 with arginine.
Molecular consequence: missense variant.
Genome position (GRCh38, 1-based): chr18:46,485,122, C>T on the plus strand (G>A on the coding strand, the complement: LOXHD1 is on the minus strand). VCF-style: chr18-46485122-C-T. GRCh37 (hg19) VCF-style: chr18-44065085-C-T.
Other names: c.2746G>A, p.Gly916Arg (NM_001145472.3); c.796G>A, p.Gly266Arg (NM_001145473.3, NM_001173129.2); c.2458G>A, p.Gly820Arg (NM_001308013.2); c.5893G>A, p.Gly1965Arg (NM_144612.7); c.5893G>A (NM_144612.6); short protein forms G2027R, G1965R, G266R, G820R, G916R.
Identifiers: ClinVar variation 1406087 (VCV001406087.7), dbSNP rs778228882, ClinGen allele CA8952092.
Genomic context (GRCh38, chr18:46,485,122, plus strand): 5'-CTTTGGATCGGTTCTTCCTGCCCTCCAGGATGAGCCAGACGTTCTCCCTGGTTTCGCCTC[C>T]GTTGCCCGTTTCTATGACGATCTCGTAGGCTGTAATGGAGGAGGTGGGGGAGGGTCAGCA-3'
Protein context (NP_001371403.1, residues 2017-2037): TYEIVIETGN[Gly2027Arg]GETRENVWLI